The following is an entry in ClinVar:

NM_001556.3(IKBKB):c.1557G>C (p.Gln519His)

Gene: IKBKB (inhibitor of nuclear factor kappa B kinase subunit beta; plus strand). Cytogenetic location: 8p11.21.
Variant type: single nucleotide variant.
Coding change: c.1557G>C on transcript NM_001556.3 (MANE Select); coding-DNA position 1557, G replaced by C.
Protein change: p.Gln519His; replaces glutamine 519 with histidine.
Molecular consequence: missense variant. On other transcripts: non-coding transcript variant (2).
Genome position (GRCh38, 1-based): chr8:42,319,625, G>C. VCF-style: chr8-42319625-G-C. GRCh37 (hg19) VCF-style: chr8-42177143-G-C.
Other names: c.1365G>C, p.Gln455His (NM_001190720.3); c.1380G>C, p.Gln460His (NM_001242778.2); short protein forms Q460H, Q519H, Q455H.
Identifiers: ClinVar variation 2841843 (VCV002841843.3), dbSNP rs2487697466, ClinGen allele CA371090753.

ClinVar aggregate classification (germline): Uncertain significance (1 of 4 stars; one submission).

Conditions:
Severe combined immunodeficiency due to IKK2 deficiency. Also called: Immunodeficiency 15; IMMUNODEFICIENCY 15B. Identifiers: Orphanet 397787, MedGen C4747743, MONDO:0014267, OMIM 615592.

Submission:

Labcorp Genetics (formerly Invitae), Labcorp
Classification: Uncertain significance for Severe combined immunodeficiency due to IKK2 deficiency. Last evaluated: 2023-09-22. Review status: criteria provided, single submitter. Criteria: Invitae Variant Classification Sherloc (09022015). Collection method: clinical testing. Allele origin: germline.
Comment: This variant has not been reported in the literature in individuals affected with IKBKB-related conditions. This variant is not present in population databases (gnomAD no frequency). This sequence change replaces glutamine, which is neutral and polar, with histidine, which is basic and polar, at codon 519 of the IKBKB protein (p.Gln519His). Advanced modeling of protein sequence and biophysical properties (such as structural, functional, and spatial information, amino acid conservation, physicochemical variation, residue mobility, and thermodynamic stability) performed at Invitae indicates that this missense variant is not expected to disrupt IKBKB protein function. In summary, the available evidence is currently insufficient to determine the role of this variant in disease. Therefore, it has been classified as a Variant of Uncertain Significance.